The following is an entry in ClinVar:

NM_004595.5(SMS):c.233G>C (p.Gly78Ala)

Gene: SMS (spermine synthase; plus strand). Cytogenetic location: Xp22.11.
Variant type: single nucleotide variant.
Coding change: c.233G>C on transcript NM_004595.5 (MANE Select); coding-DNA position 233, G replaced by C.
Protein change: p.Gly78Ala; replaces glycine 78 with alanine.
Molecular consequence: missense variant. On other transcripts: intron variant (1).
Genome position (GRCh38, 1-based): chrX:21,971,959, G>C. VCF-style: chrX-21971959-G-C. GRCh37 (hg19) VCF-style: chrX-21990077-G-C.
Other names: c.170+4643G>C (NM_001258423.2); short protein forms G78A.
Identifiers: ClinVar variation 3257609 (VCV003257609.17).
Genomic context (GRCh38, chrX:21,971,959, plus strand): 5'-TTGCCAATTTGAGAATTTACCCACATGGATTGGTGTTGCTGGACCTTCAGAGTTATGATG[G>C]TGATGCGCAAGGCAAAGAAGAGATCGACAGTGTCGGTTTTTCACTTTCATTTACTCAGTG-3'
Protein context (NP_004586.2, residues 68-88): LVLLDLQSYD[Gly78Ala]DAQGKEEIDS

ClinVar aggregate classification (germline): Uncertain significance. Review status: criteria provided, multiple submitters, no conflicts (2 of 4 stars). 2 submissions from 2 submitters: Uncertain significance (2). Last evaluated 2025-04-13.

Conditions:
Intellectual developmental disorder, X-linked, syndromic, Snyder-Robinson type. Also called: X-linked mental retardation Snyder - Robinson type; Spermine synthase deficiency; SNYDER-ROBINSON MENTAL RETARDATION SYNDROME; Syndromic X-linked intellectual disability Snyder type. Identifiers: Orphanet 3063, MedGen C0796160, MONDO:0010664, OMIM 309583.

gnomAD v4.1: 8 of 1,201,527 alleles (0.00067%); highest among the groups gnomAD compares: Non-Finnish European, 0.0009%; no homozygotes.

Submissions (2):

3billion
Classification: Uncertain significance for Intellectual developmental disorder, X-linked, syndromic, Snyder-Robinson type. Last evaluated: 2025-04-13. Review status: criteria provided, single submitter. Criteria: ACMG Guidelines, 2015. Collection method: clinical testing. Allele origin: germline. Affected: yes.

CeGaT Center for Human Genetics Tuebingen
Classification: Uncertain significance. Last evaluated: 2024-07-01. Review status: criteria provided, single submitter. Criteria: CeGaT Center For Human Genetics Tuebingen Variant Classification Criteria Version 2. Collection method: clinical testing. Allele origin: germline. Affected: yes. Observed: 1 variant allele.
Comment: SMS: PM2, BP4